The following is an entry in ClinVar:

ClinVar aggregate classification (germline): Likely benign (1 of 4 stars; one submission).

gnomAD v4.1: 20 of 1,613,986 alleles (0.0012%); highest among the groups gnomAD compares: Admixed American, 0.0017%; no homozygotes.

Submission:

CeGaT Center for Human Genetics Tuebingen
Classification: Likely benign. Last evaluated: 2025-10-01. Review status: criteria provided, single submitter. Criteria: CeGaT Center For Human Genetics Tuebingen Variant Classification Criteria Version 2. Collection method: clinical testing. Allele origin: germline. Affected: yes. Observed: 1 variant allele.
Comment: KMT5A: BP4, BP7

NM_020382.7(KMT5A):c.738C>T (p.His246=)

Gene: KMT5A (lysine methyltransferase 5A; plus strand). Cytogenetic location: 12q24.31.
Variant type: single nucleotide variant.
Coding change: c.738C>T on transcript NM_020382.7 (MANE Select); coding-DNA position 738, C replaced by T.
Protein change: p.His246=; no amino-acid change (histidine 246 retained).
Molecular consequence: synonymous variant. On other transcripts: non-coding transcript variant (1).
Genome position (GRCh38, 1-based): chr12:123,404,964, C>T. VCF-style: chr12-123404964-C-T. GRCh37 (hg19) VCF-style: chr12-123889511-C-T.
Other names: c.648C>T, p.His216= (NM_001324504.2); c.567C>T, p.His189= (NM_001324505.2); c.414C>T, p.His138= (NM_001324506.2, NM_001367389.2); c.720C>T, p.His240= (NM_001367386.2); c.627C>T, p.His209= (NM_001367388.2).
Identifiers: ClinVar variation 4533677 (VCV004533677.6).